The following is an entry in ClinVar:

NM_032638.5(GATA2):c.-45-788G>A

Genes: GATA2 (GATA binding protein 2; minus strand), LOC117038771 (CRISPRi-FlowFISH-validated H1-10 regulatory element 2; plus strand). Cytogenetic location: 3q21.3.
Variant type: single nucleotide variant.
Coding change: c.-45-788G>A on transcript NM_032638.5 (MANE Select); 788 bases into the intron before 45 bases upstream of the start codon, G replaced by A.
Molecular consequence: intron variant. On other transcripts: 5 prime UTR variant (2).
Genome position (GRCh38, 1-based): chr3:128,487,864, C>T on the plus strand (G>A on the coding strand, the complement: GATA2 is on the minus strand). VCF-style: chr3-128487864-C-T. GRCh37 (hg19) VCF-style: chr3-128206707-C-T.
Other names: c.-199G>A (NM_001145661.2, NM_001145662.1).
Identifiers: ClinVar variation 3389463 (VCV003389463.14).

ClinVar aggregate classification (germline): Likely benign (1 of 4 stars; one submission).

Submission:

CeGaT Center for Human Genetics Tuebingen
Classification: Likely benign. Last evaluated: 2024-11-01. Review status: criteria provided, single submitter. Criteria: CeGaT Center For Human Genetics Tuebingen Variant Classification Criteria Version 2. Collection method: clinical testing. Allele origin: germline. Affected: yes. Observed: 1 variant allele.
Comment: GATA2: BP4, BP7, BS1